The following is an entry in ClinVar:

ClinVar aggregate classification (germline): Uncertain significance (1 of 4 stars; one submission).

Conditions:
Early-infantile DEE. Also called: Early infantile epileptic encephalopathy with suppression bursts; Early infantile epileptic encephalopathy; Ohtahara syndrome. Identifiers: Orphanet 1934, MedGen C0393706, MONDO:0800491.

Submission:

Labcorp Genetics (formerly Invitae), Labcorp
Classification: Uncertain significance for Early-infantile DEE. Last evaluated: 2020-12-12. Review status: criteria provided, single submitter. Criteria: Invitae Variant Classification Sherloc (09022015). Collection method: clinical testing. Allele origin: germline.
Comment: In summary, the available evidence is currently insufficient to determine the role of this variant in disease. Therefore, it has been classified as a Variant of Uncertain Significance. This variant disrupts the p.Ile397 amino acid residue in HCN1. Other variant(s) that disrupt this residue have been determined to be pathogenic (PMID: 30351409). This suggests that this residue is clinically significant, and that variants that disrupt this residue are likely to be disease-causing. This sequence change replaces isoleucine with serine at codon 397 of the HCN1 protein (p.Ile397Ser). The isoleucine residue is highly conserved and there is a large physicochemical difference between isoleucine and serine. This variant is not present in population databases (ExAC no frequency). This variant has not been reported in the literature in individuals with HCN1-related conditions. Algorithms developed to predict the effect of missense changes on protein structure and function are either unavailable or do not agree on the potential impact of this missense change (SIFT: "Deleterious"; PolyPhen-2: "Benign"; Align-GVGD: "Class C65"). Algorithms developed to predict the effect of sequence changes on RNA splicing suggest that this variant may create or strengthen a splice site, but this prediction has not been confirmed by published transcriptional studies.

Literature cited by the submitters: PubMed 30351409.

NM_021072.4(HCN1):c.1190T>G (p.Ile397Ser)

Gene: HCN1 (hyperpolarization activated cyclic nucleotide gated potassium channel 1; minus strand). Cytogenetic location: 5p12.
Variant type: single nucleotide variant.
Coding change: c.1190T>G on transcript NM_021072.4 (MANE Select); coding-DNA position 1190, T replaced by G.
Protein change: p.Ile397Ser; replaces isoleucine 397 with serine.
Molecular consequence: missense variant.
Genome position (GRCh38, 1-based): chr5:45,396,532, A>C on the plus strand (T>G on the coding strand, the complement: HCN1 is on the minus strand). VCF-style: chr5-45396532-A-C. GRCh37 (hg19) VCF-style: chr5-45396634-A-C.
Other names: short protein forms I397S.
Identifiers: ClinVar variation 1355898 (VCV001355898.9), dbSNP rs2112040625, ClinGen allele CA359705224.